The following is an entry in ClinVar:

ClinVar aggregate classification (germline): Uncertain significance. Review status: criteria provided, multiple submitters, no conflicts (2 of 4 stars). 3 submissions from 3 submitters: Uncertain significance (3). Last evaluated 2025-02-18.

Conditions:
Wiedemann-Steiner syndrome (WDSTS). Also called: Growth deficiency and mental retardation with facial dysmorphism. Identifiers: Orphanet 319182, MedGen C1854630, MONDO:0011518, OMIM 605130.

Submissions (3):

HudsonAlpha Institute for Biotechnology
Classification: Uncertain significance for Wiedemann-Steiner syndrome. Last evaluated: 2025-02-18. Review status: criteria provided, single submitter. Criteria: ACMG Guidelines, 2015. Collection method: research. Allele origin: paternal. Affected: yes. Observed: 1 variant allele. Study: AGHI-WGS-HudsonAlpha.

Labcorp Genetics (formerly Invitae), Labcorp
Classification: Uncertain significance. Last evaluated: 2023-12-25. Review status: criteria provided, single submitter. Criteria: Invitae Variant Classification Sherloc (09022015). Collection method: clinical testing. Allele origin: germline.
Comment: This sequence change replaces tyrosine, which is neutral and polar, with cysteine, which is neutral and slightly polar, at codon 2638 of the KMT2A protein (p.Tyr2638Cys). This variant is not present in population databases (gnomAD no frequency). This variant has not been reported in the literature in individuals affected with KMT2A-related conditions. ClinVar contains an entry for this variant (Variation ID: 2626931). Advanced modeling of protein sequence and biophysical properties (such as structural, functional, and spatial information, amino acid conservation, physicochemical variation, residue mobility, and thermodynamic stability) has been performed at Invitae for this missense variant, however the output from this modeling did not meet the statistical confidence thresholds required to predict the impact of this variant on KMT2A protein function. In summary, the available evidence is currently insufficient to determine the role of this variant in disease. Therefore, it has been classified as a Variant of Uncertain Significance.

Greenwood Genetic Center Diagnostic Laboratories, Greenwood Genetic Center
Classification: Uncertain significance. Last evaluated: 2023-09-11. Review status: criteria provided, single submitter. Criteria: ACMG Guidelines, 2015. Collection method: clinical testing. Allele origin: germline. Affected: yes.
Comment: PM2, PP2, PP3

NM_001197104.2(KMT2A):c.7913A>G (p.Tyr2638Cys)

Gene: KMT2A (lysine methyltransferase 2A; plus strand). Cytogenetic location: 11q23.3.
Variant type: single nucleotide variant.
Coding change: c.7913A>G on transcript NM_001197104.2 (MANE Select); coding-DNA position 7913, A replaced by G.
Protein change: p.Tyr2638Cys; replaces tyrosine 2638 with cysteine.
Molecular consequence: missense variant.
Genome position (GRCh38, 1-based): chr11:118,503,805, A>G. VCF-style: chr11-118503805-A-G. GRCh37 (hg19) VCF-style: chr11-118374520-A-G.
Other names: c.8003A>G, p.Tyr2668Cys (NM_001412597.1); c.7904A>G, p.Tyr2635Cys (NM_005933.4); short protein forms Y2635C, Y2638C, Y2668C.
Identifiers: ClinVar variation 2626931 (VCV002626931.5), dbSNP rs2497004255, ClinGen allele CA382807782.